The following is an entry in ClinVar:

NM_000092.5(COL4A4):c.1855G>A (p.Gly619Ser)

Gene: COL4A4 (collagen type IV alpha 4 chain; minus strand). Cytogenetic location: 2q36.3.
Variant type: single nucleotide variant.
Coding change: c.1855G>A on transcript NM_000092.5 (MANE Select); coding-DNA position 1855, G replaced by A.
Protein change: p.Gly619Ser; replaces glycine 619 with serine.
Molecular consequence: missense variant.
Genome position (GRCh38, 1-based): chr2:227,078,026, C>T on the plus strand (G>A on the coding strand, the complement: COL4A4 is on the minus strand). VCF-style: chr2-227078026-C-T. GRCh37 (hg19) VCF-style: chr2-227942742-C-T.
Other names: short protein forms G619S.
Identifiers: ClinVar variation 1518863 (VCV001518863.8), dbSNP rs2150476860, ClinGen allele CA350845404.

ClinVar aggregate classification (germline): Likely pathogenic (1 of 4 stars; one submission).

gnomAD v4.1: 1 of 1,613,974 alleles (0.000062%); highest among the groups gnomAD compares: Non-Finnish European, 0.000085%; no homozygotes.

Submission:

Labcorp Genetics (formerly Invitae), Labcorp
Classification: Likely pathogenic. Last evaluated: 2021-04-20. Review status: criteria provided, single submitter. Criteria: Invitae Variant Classification Sherloc (09022015). Collection method: clinical testing. Allele origin: germline.
Comment: In summary, the currently available evidence indicates that the variant is pathogenic, but additional data are needed to prove that conclusively. Therefore, this variant has been classified as Likely Pathogenic. This sequence change replaces glycine with serine at codon 619 of the COL4A4 protein (p.Gly619Ser). The glycine residue is highly conserved and there is a small physicochemical difference between glycine and serine. This variant is not present in population databases (ExAC no frequency). This variant has not been reported in the literature in individuals with COL4A4-related conditions. Advanced modeling of protein sequence and biophysical properties (such as structural, functional, and spatial information, amino acid conservation, physicochemical variation, residue mobility, and thermodynamic stability) performed at Invitae indicates that this missense variant is expected to disrupt COL4A4 protein function. This variant disrupts the p.Gly619 amino acid residue in COL4A4. Other variant(s) that disrupt this residue have been determined to be pathogenic (PMID: 27469977). This suggests that this residue is clinically significant, and that variants that disrupt this residue are likely to be disease-causing.

Literature cited by the submitters: PubMed 27469977.